The following is an entry in ClinVar:

ClinVar aggregate classification (germline): Benign. Review status: criteria provided, multiple submitters, no conflicts (2 of 4 stars). 6 submissions from 4 submitters: Benign (6). Last evaluated 2021-07-10.

Conditions:
Ocular cystinosis. Also called: Non-Nephropathic (Ocular) Cystinosis; Non-Nephropathic Cystinosis. Identifiers: Orphanet 213, Orphanet 411641, MedGen C2931013, MONDO:0009064, OMIM 219750.
Nephropathic cystinosis (CTNS). Also called: CYSTINOSIN, DEFECT OF; LYSOSOMAL CYSTINE TRANSPORT PROTEIN, DEFECT OF; Abderhalden Lignac Kaufmann disease; Abderhalden-Kaufmann-Lignac syndrome. Identifiers: Orphanet 213, Orphanet 411629, MedGen C2931187, MONDO:0100151, OMIM 219800.

Allele frequency attached by ClinVar (database versions not stated): ESP Exome Variant Server 0.17792; TOPMed 0.18943; 1000 Genomes Project 0.19728; 1000 Genomes Project 30x 0.19831; ExAC 0.21172; gnomAD exomes 0.21386.
gnomAD v4.1: 344,307 of 1,611,352 alleles (21%); highest among the groups gnomAD compares: East Asian, 24%; 37,683 homozygotes.

Submissions (6):

Genome-Nilou Lab
Classification: Benign for Nephropathic cystinosis. Last evaluated: 2021-07-10. Review status: criteria provided, single submitter. Criteria: ACMG Guidelines, 2015. Collection method: clinical testing. Allele origin: germline. Affected: no.

Genome-Nilou Lab
Classification: Benign for Ocular cystinosis. Last evaluated: 2021-07-10. Review status: criteria provided, single submitter. Criteria: ACMG Guidelines, 2015. Collection method: clinical testing. Allele origin: germline. Affected: no.

GeneDx
Classification: Benign. Last evaluated: 2018-06-19. Review status: criteria provided, single submitter. Criteria: GeneDx Variant Classification Process June 2021. Collection method: clinical testing. Allele origin: germline. Affected: yes.

Illumina Laboratory Services, Illumina
Classification: Benign for Ocular cystinosis. Last evaluated: 2018-01-12. Review status: criteria provided, single submitter. Criteria: ICSL Variant Classification Criteria 13 December 2019. Collection method: clinical testing. Allele origin: germline.
Comment: This variant was observed in the ICSL laboratory as part of a predisposition screen in an ostensibly healthy population. It had not been previously curated by ICSL or reported in the Human Gene Mutation Database (HGMD: prior to June 1st, 2018), and was therefore a candidate for classification through an automated scoring system. Utilizing variant allele frequency, disease prevalence and penetrance estimates, and inheritance mode, an automated score was calculated to assess if this variant is too frequent to cause the disease. Based on the score and internal cut-off values, a variant classified as benign is not then subjected to further curation. The score for this variant resulted in a classification of benign for this disease.

Illumina Laboratory Services, Illumina
Classification: Benign for Nephropathic cystinosis. Last evaluated: 2018-01-12. Review status: criteria provided, single submitter. Criteria: ICSL Variant Classification Criteria 13 December 2019. Collection method: clinical testing. Allele origin: germline.
Comment: the same text as in the submission from Illumina Laboratory Services, Illumina above.

Breakthrough Genomics
Classification: Benign. Review status: criteria provided, single submitter. Criteria: ACMG Guidelines, 2015. Collection method: not provided. Allele origin: germline. Inheritance: Autosomal recessive inheritance. Affected: yes.

NM_004937.3(CTNS):c.*405G>A

Gene: CTNS (cystinosin, lysosomal cystine transporter; plus strand). Cytogenetic location: 17p13.2.
Variant type: single nucleotide variant.
Coding change: c.*405G>A on transcript NM_004937.3 (MANE Select); 405 bases downstream of the stop codon, G replaced by A.
Molecular consequence: 3 prime UTR variant.
Genome position (GRCh38, 1-based): chr17:3,660,774, G>A. VCF-style: chr17-3660774-G-A. GRCh37 (hg19) VCF-style: chr17-3564068-G-A.
Other names: c.*40G>A (NM_001031681.3, NM_001374492.1); c.*405G>A (NM_001374493.1, NM_001374494.1, NM_001374495.1 and 1 more transcripts).
Identifiers: ClinVar variation 322852 (VCV000322852.10), dbSNP rs760273, ClinGen allele CA8292105.
Genomic context (GRCh38, chr17:3,660,774, plus strand): 5'-GCAAGCAGCTTGAAGGGCTGACCTTGCAGCCGGGTGAGCCAAGGGCACTTTGCTGCCACC[G>A]CTGCATTCCCAGAGATCAAGCAGCCCGGTGCCGTGGCCAGTGAACTCAGAGGTGCTGGTG-3'